The following is an entry in ClinVar:

NM_001378454.1(ALMS1):c.7816T>C (p.Ser2606Pro)

Gene: ALMS1 (ALMS1 centrosome and basal body associated protein; plus strand). Cytogenetic location: 2p13.1.
Variant type: single nucleotide variant.
Coding change: c.7816T>C on transcript NM_001378454.1 (MANE Select); coding-DNA position 7816, T replaced by C.
Protein change: p.Ser2606Pro; replaces serine 2606 with proline.
Molecular consequence: missense variant.
Genome position (GRCh38, 1-based): chr2:73,489,775, T>C. VCF-style: chr2-73489775-T-C. GRCh37 (hg19) VCF-style: chr2-73716902-T-C.
Other names: c.7819T>C, p.Ser2607Pro (NM_015120.4); short protein forms S2606P, S2607P.
Identifiers: ClinVar variation 971420 (VCV000971420.7), dbSNP rs532551687, ClinGen allele CA1714354.

ClinVar aggregate classification (germline): Uncertain significance. Review status: criteria provided, multiple submitters, no conflicts (2 of 4 stars). 3 submissions from 3 submitters: Uncertain significance (2). 1 of the submissions does not count toward it. Last evaluated 2019-10-02.

Conditions:
Cardiovascular phenotype. Identifiers: MedGen CN230736.
Alstrom syndrome (ALMS). Identifiers: Orphanet 64, MedGen C0268425, MONDO:0008763, OMIM 203800.

Allele frequency attached by ClinVar (database versions not stated): gnomAD exomes 0.00004 and below 0.00001; 1000 Genomes Project 30x 0.00016; 1000 Genomes Project 0.00020; gnomAD 0.00001; TOPMed 0.00001; ExAC 0.00002.
gnomAD v4.1: 8 of 1,614,130 alleles (0.0005%); highest among the groups gnomAD compares: East Asian, 0.016%; no homozygotes.

Submissions (3):

Labcorp Genetics (formerly Invitae), Labcorp
Classification: Uncertain significance for Alstrom syndrome. Last evaluated: 2019-10-02. Review status: criteria provided, single submitter. Criteria: Invitae Variant Classification Sherloc (09022015). Collection method: clinical testing. Allele origin: germline.
Comment: This sequence change replaces serine with proline at codon 2607 of the ALMS1 protein (p.Ser2607Pro). The serine residue is moderately conserved and there is a moderate physicochemical difference between serine and proline. This variant is present in population databases (rs532551687, ExAC 0.03%). This variant has not been reported in the literature in individuals with ALMS1-related conditions. Algorithms developed to predict the effect of missense changes on protein structure and function output the following: SIFT: "Deleterious"; PolyPhen-2: "Not Available"; Align-GVGD: "Class C0". The serine amino acid residue is found in multiple mammalian species, suggesting that this missense change does not adversely affect protein function. These predictions have not been confirmed by published functional studies and their clinical significance is uncertain. In summary, the available evidence is currently insufficient to determine the role of this variant in disease. Therefore, it has been classified as a Variant of Uncertain Significance.

Ambry Genetics
Classification: Uncertain significance for Cardiovascular phenotype. Last evaluated: 2019-04-01. Review status: criteria provided, single submitter. Criteria: Ambry Variant Classification Scheme 2023. Collection method: clinical testing. Allele origin: germline.
Comment: The p.S2607P variant (also known as c.7819T>C), located in coding exon 10 of the ALMS1 gene, results from a T to C substitution at nucleotide position 7819. The serine at codon 2607 is replaced by proline, an amino acid with similar properties. This amino acid position is well conserved in available vertebrate species; however, proline is the reference amino acid in other vertebrate species. In addition, this alteration is predicted to be tolerated by in silico analysis. Since supporting evidence is limited at this time, the clinical significance of this alteration remains unclear.

Natera, Inc.
Classification: Uncertain significance for Alstrom syndrome. Last evaluated: 2021-09-30. Review status: no assertion criteria provided. Collection method: clinical testing. Allele origin: germline. Not counted in ClinVar's aggregate classification.